The following is an entry in ClinVar:

ClinVar aggregate classification (germline): Conflicting classifications of pathogenicity. Review status: criteria provided, conflicting classifications (1 of 4 stars). 2 submissions from 2 submitters: Uncertain significance (1); Likely benign (1). Last evaluated 2025-06-17.

Conditions:
Immunodeficiency 51 (IMD51). Also called: CANDIDIASIS, FAMILIAL, 5. Identifiers: Orphanet 1334, MedGen C4310803, MONDO:0013500, OMIM 613953.

Allele frequency attached by ClinVar (database versions not stated): gnomAD 0.00001 and 0.00002; TOPMed 0.00001; ExAC 0.00007; 1000 Genomes Project 30x 0.00031; 1000 Genomes Project 0.00040.

Submissions (2):

Ambry Genetics
Classification: Likely benign. Last evaluated: 2025-06-17. Review status: criteria provided, single submitter. Criteria: Ambry Variant Classification Scheme 2023. Collection method: clinical testing. Allele origin: germline.

Labcorp Genetics (formerly Invitae), Labcorp
Classification: Uncertain significance for Immunodeficiency 51. Last evaluated: 2024-02-24. Review status: criteria provided, single submitter. Criteria: Invitae Variant Classification Sherloc (09022015). Collection method: clinical testing. Allele origin: germline.
Comment: This sequence change replaces alanine, which is neutral and non-polar, with threonine, which is neutral and polar, at codon 188 of the IL17RA protein (p.Ala188Thr). The frequency data for this variant in the population databases is considered unreliable, as metrics indicate poor data quality at this position in the gnomAD database. This variant has not been reported in the literature in individuals affected with IL17RA-related conditions. ClinVar contains an entry for this variant (Variation ID: 941381). Advanced modeling of protein sequence and biophysical properties (such as structural, functional, and spatial information, amino acid conservation, physicochemical variation, residue mobility, and thermodynamic stability) performed at Invitae indicates that this missense variant is not expected to disrupt IL17RA protein function with a negative predictive value of 80%. In summary, the available evidence is currently insufficient to determine the role of this variant in disease. Therefore, it has been classified as a Variant of Uncertain Significance.

NM_014339.7(IL17RA):c.562G>A (p.Ala188Thr)

Gene: IL17RA (interleukin 17 receptor A; plus strand). Cytogenetic location: 22q11.1.
Variant type: single nucleotide variant.
Coding change: c.562G>A on transcript NM_014339.7 (MANE Select); coding-DNA position 562, G replaced by A.
Protein change: p.Ala188Thr; replaces alanine 188 with threonine.
Molecular consequence: missense variant.
Genome position (GRCh38, 1-based): chr22:17,102,007, G>A. VCF-style: chr22-17102007-G-A. GRCh37 (hg19) VCF-style: chr22-17582897-G-A.
Other names: c.562G>A (NM_014339.5); c.562G>A, p.Ala188Thr (NM_001289905.2); short protein forms A188T.
Identifiers: ClinVar variation 941381 (VCV000941381.10), dbSNP rs527593084, ClinGen allele CA10086400.